The following is an entry in ClinVar:

NM_004281.4(BAG3):c.529T>C (p.Ser177Pro)

Gene: BAG3 (BAG cochaperone 3; plus strand). Cytogenetic location: 10q26.11.
Variant type: single nucleotide variant.
Coding change: c.529T>C on transcript NM_004281.4 (MANE Select); coding-DNA position 529, T replaced by C.
Protein change: p.Ser177Pro; replaces serine 177 with proline.
Molecular consequence: missense variant.
Genome position (GRCh38, 1-based): chr10:119,672,276, T>C. VCF-style: chr10-119672276-T-C. GRCh37 (hg19) VCF-style: chr10-121431788-T-C.
Other names: short protein forms S177P.
Identifiers: ClinVar variation 2932023 (VCV002932023.5), dbSNP rs1420081154, ClinGen allele CA378295275.

ClinVar aggregate classification (germline): Uncertain significance. Review status: criteria provided, multiple submitters, no conflicts (2 of 4 stars). 3 submissions from 3 submitters: Uncertain significance (3). Last evaluated 2025-09-20.

Conditions:
BAG3-related disorder. Also called: BAG3-related condition.
Cardiovascular phenotype. Identifiers: MedGen CN230736.
Myofibrillar myopathy 6. Identifiers: Orphanet 199340, MedGen C2751831, MONDO:0013061, OMIM 612954.
Dilated cardiomyopathy 1HH (CMD1HH). Identifiers: Orphanet 154, MedGen C3151293, MONDO:0013479, OMIM 613881.

Allele frequency attached by ClinVar (database versions not stated): gnomAD exomes below 0.00001; gnomAD 0.00001; TOPMed 0.00001.
gnomAD v4.1: 4 of 1,613,618 alleles (0.00025%); highest among the groups gnomAD compares: African/African-American, 0.0053%; no homozygotes.

Submissions (3):

PreventionGenetics, part of Exact Sciences
Classification: Uncertain significance for BAG3-related condition. Last evaluated: 2025-09-20. Review status: criteria provided, single submitter. Criteria: ACMG Guidelines, 2015. Collection method: clinical testing. Allele origin: germline.
Comment: The BAG3 c.529T>C variant is predicted to result in the amino acid substitution p.Ser177Pro. To our knowledge, this variant has not been reported in the literature or in a large population database (gnomAD), indicating this variant is rare. At this time, the clinical significance of this variant is uncertain due to the absence of conclusive functional and genetic evidence.

Labcorp Genetics (formerly Invitae), Labcorp
Classification: Uncertain significance for Dilated cardiomyopathy 1HH; Myofibrillar myopathy 6. Last evaluated: 2025-03-17. Review status: criteria provided, single submitter. Criteria: Invitae Variant Classification Sherloc (09022015). Collection method: clinical testing. Allele origin: germline.
Comment: This sequence change replaces serine, which is neutral and polar, with proline, which is neutral and non-polar, at codon 177 of the BAG3 protein (p.Ser177Pro). The frequency data for this variant in the population databases is considered unreliable, as metrics indicate poor data quality at this position in the gnomAD database. This variant has not been reported in the literature in individuals affected with BAG3-related conditions. ClinVar contains an entry for this variant (Variation ID: 2932023). An algorithm developed to predict the effect of missense changes on protein structure and function (PolyPhen-2) suggests that this variant is likely to be disruptive. In summary, the available evidence is currently insufficient to determine the role of this variant in disease. Therefore, it has been classified as a Variant of Uncertain Significance.

Ambry Genetics
Classification: Uncertain significance for Cardiovascular phenotype. Last evaluated: 2024-05-11. Review status: criteria provided, single submitter. Criteria: Ambry Variant Classification Scheme 2023. Collection method: clinical testing. Allele origin: germline.
Comment: The p.S177P variant (also known as c.529T>C), located in coding exon 3 of the BAG3 gene, results from a T to C substitution at nucleotide position 529. The serine at codon 177 is replaced by proline, an amino acid with similar properties. This amino acid position is conserved. In addition, the in silico prediction for this alteration is inconclusive. Based on the available evidence, the clinical significance of this variant remains unclear.